The following is an entry in ClinVar:

NM_025000.4(DCAF17):c.60C>A (p.Cys20Ter)

Genes: DCAF17 (DDB1 and CUL4 associated factor 17; plus strand), METTL8 (methyltransferase 8, tRNA N3-cytidine; minus strand). Cytogenetic location: 2q31.1.
Variant type: single nucleotide variant.
Coding change: c.60C>A on transcript NM_025000.4 (MANE Select); coding-DNA position 60, C replaced by A.
Protein change: p.Cys20Ter; replaces cysteine 20 with a stop codon.
Molecular consequence: nonsense. On other transcripts: non-coding transcript variant (1), intron variant (4).
Genome position (GRCh38, 1-based): chr2:171,434,637, C>A. VCF-style: chr2-171434637-C-A. GRCh37 (hg19) VCF-style: chr2-172291147-C-A.
Other names: c.60C>A, p.Cys20Ter (NM_001164821.2); c.8+37G>T (NM_001321161.2, NM_001321158.2, NM_001321157.2); c.-13+37G>T (NM_024770.5); short protein forms C20*.
Identifiers: ClinVar variation 1454737 (VCV001454737.6), dbSNP rs2105706833, ClinGen allele CA349597653.
Genomic context (GRCh38, chr2:171,434,637, plus strand): 5'-CATGGGCCCGACCCGGAAGCCCAACGTGTGCAGCCGGCTGAGTCGCCGGGCGCTGGGCTG[C>A]TTCTCGCGCGACGCAGGCGTGGTGCAGAGGACCAACCTGGGCATCCTGCGGGCGCTGGTG-3'

ClinVar aggregate classification (germline): Pathogenic (1 of 4 stars; one submission).

Conditions:
Woodhouse-Sakati syndrome. Also called: Hypogonadism, Alopecia, Diabetes Mellitus, Mental Retardation, and Extrapyramidal Syndrome; Hypogonadism, diabetes mellitus, alopecia, mental retardation and electrocardiographic abnormalities; EXTRAPYRAMIDAL DISORDER, PROGRESSIVE, WITH PRIMARY HYPOGONADISM, MENTAL RETARDATION, AND ALOPECIA. Identifiers: Orphanet 3464, MedGen C0342286, MONDO:0009419, OMIM 241080.

Submission:

Labcorp Genetics (formerly Invitae), Labcorp
Classification: Pathogenic for Woodhouse-Sakati syndrome. Last evaluated: 2022-07-12. Review status: criteria provided, single submitter. Criteria: Invitae Variant Classification Sherloc (09022015). Collection method: clinical testing. Allele origin: germline.
Comment: This sequence change creates a premature translational stop signal (p.Cys20*) in the DCAF17 gene. It is expected to result in an absent or disrupted protein product. Loss-of-function variants in DCAF17 are known to be pathogenic (PMID: 19026396, 20507343). This variant is not present in population databases (gnomAD no frequency). This variant has not been reported in the literature in individuals affected with DCAF17-related conditions. ClinVar contains an entry for this variant (Variation ID: 1454737). For these reasons, this variant has been classified as Pathogenic.

Literature cited by the submitters: PubMed 19026396; PubMed 20507343.